The following is an entry in ClinVar:

ClinVar aggregate classification (germline): Pathogenic (1 of 4 stars; one submission).

Conditions:
Polycystic kidney disease 2 (PKD2). Also called: Polycystic Kidney Disease 2, Autosomal Dominant; POLYCYSTIC KIDNEY DISEASE, ADULT, TYPE II; POLYCYSTIC KIDNEY DISEASE 2 WITH OR WITHOUT POLYCYSTIC LIVER DISEASE. Identifiers: MedGen C2751306, MONDO:0013131, OMIM 613095.

Submission:

Victorian Clinical Genetics Services, Murdoch Childrens Research Institute
Classification: Pathogenic for Polycystic kidney disease 2. Last evaluated: 2023-07-17. Review status: criteria provided, single submitter. Criteria: ACMG Guidelines, 2015. Collection method: clinical testing. Allele origin: germline. Inheritance: Autosomal dominant inheritance. Affected: yes.
Comment: Based on the classification scheme VCGS_Germline_v1.3.4, this variant is classified as Pathogenic. Following criteria are met: 0102 - Loss of function is a known mechanism of disease in this gene and is associated with polycystic kidney disease 2 (MIM#613095). (I) 0107 - This gene is associated with autosomal dominant disease. (I) 0201 - Variant is predicted to cause nonsense-mediated decay (NMD) and loss of protein (premature termination codon is located at least 54 nucleotides upstream of the final exon-exon junction). (SP) 0251 - This variant is heterozygous. (I) 0301 - Variant is absent from gnomAD (both v2 and v3). (SP) 0701 - Other NMD predicted variants comparable to the one identified in this case have very strong previous evidence for pathogenicity (DECIPHER). (SP) 0803 - This variant has limited previous evidence of pathogenicity in an unrelated individual. This variant has been reported as pathogenic in the ADPKD database. (SP) 0905 - No published segregation evidence has been identified for this variant. (I) 1007 - No published functional evidence has been identified for this variant. (I) 1208 - Inheritance information for this variant is not currently available in this individual. (I) Legend: (SP) - Supporting pathogenic, (I) - Information, (SB) - Supporting benign

NM_000297.4(PKD2):c.772del (p.Phe257_Leu258insTer)

Gene: PKD2 (polycystin 2, transient receptor potential cation channel; plus strand). Cytogenetic location: 4q22.1.
Variant type: Deletion.
Coding change: c.772del on transcript NM_000297.4 (MANE Select); coding-DNA position 772, one base deleted (C; older notation c.772delC).
Protein change: p.Phe257_Leu258insTer.
Molecular consequence: nonsense. On other transcripts: non-coding transcript variant (1).
Genome position (GRCh38, 1-based): chr4:88,036,282, C deleted; the last of 2 consecutive C bases (chr4:88,036,281-88,036,282); deleting either gives the same sequence. VCF-style (leftmost placement, unchanged base first): chr4-88036280-TC-T. GRCh37 (hg19) VCF-style: chr4-88957432-TC-T.
Identifiers: ClinVar variation 3254858 (VCV003254858.1), dbSNP rs2475895989.